The following is an entry in ClinVar:

ClinVar aggregate classification (germline): Uncertain significance (1 of 4 stars; one submission).

Submission:

Labcorp Genetics (formerly Invitae), Labcorp
Classification: Uncertain significance. Last evaluated: 2021-12-21. Review status: criteria provided, single submitter. Criteria: Invitae Variant Classification Sherloc (09022015). Collection method: clinical testing. Allele origin: germline.
Comment: This variant is not present in population databases (gnomAD no frequency). This variant has not been reported in the literature in individuals affected with CREB3L3-related conditions. Experimental studies and prediction algorithms are not available or were not evaluated, and the functional significance of this variant is currently unknown. In summary, the available evidence is currently insufficient to determine the role of this variant in disease. Therefore, it has been classified as a Variant of Uncertain Significance. This variant, c.655_657del, results in the deletion of 1 amino acid(s) of the CREB3L3 protein (p.Glu219del), but otherwise preserves the integrity of the reading frame.

NM_032607.3(CREB3L3):c.655_657del (p.Glu219del)

Gene: CREB3L3 (cAMP responsive element binding protein 3 like 3; plus strand). Cytogenetic location: 19p13.3.
Variant type: Deletion.
Coding change: c.655_657del on transcript NM_032607.3 (MANE Select); coding-DNA positions 655 to 657, 3 bases deleted (GAG; older notation c.655_657delGAG).
Protein change: p.Glu219del; deletes glutamic acid 219.
Molecular consequence: inframe deletion.
Genome position (GRCh38, 1-based): chr19:4,164,581-4,164,583, GAG deleted. VCF-style (leftmost placement, unchanged base first): chr19-4164580-TGAG-T. GRCh37 (hg19) VCF-style: chr19-4164577-TGAG-T.
Other names: c.652_654del, p.Glu218del (NM_001271995.2); c.649_651del, p.Glu217del (NM_001271996.2); c.655_657del, p.Glu219del (NM_001271997.2); short protein forms E218del, E219del, E217del.
Identifiers: ClinVar variation 1941563 (VCV001941563.5), dbSNP rs2512351073, ClinGen allele CA2576573759.